The following is an entry in ClinVar:

ClinVar aggregate classification (germline): Uncertain significance. Review status: criteria provided, multiple submitters, no conflicts (2 of 4 stars). 2 submissions from 2 submitters: Uncertain significance (2). Last evaluated 2023-12-05.

Conditions:
Hereditary cancer-predisposing syndrome. Also called: Neoplastic Syndromes, Hereditary; Tumor predisposition; Hereditary Cancer Syndrome; Hereditary neoplastic syndrome. Identifiers: Orphanet 140162, MedGen C0027672, MeSH D009386, MONDO:0015356.

Allele frequency attached by ClinVar (database versions not stated): gnomAD exomes below 0.00001.
gnomAD v4.1: 1 of 1,614,186 alleles (0.000062%); highest among the groups gnomAD compares: Non-Finnish European, 0.000085%; no homozygotes.

Submissions (2):

Color Diagnostics, LLC DBA Color Health
Classification: Uncertain significance for Hereditary cancer-predisposing syndrome. Last evaluated: 2023-12-05. Review status: criteria provided, single submitter. Criteria: ACMG Guidelines, 2015. Collection method: clinical testing. Allele origin: germline.
Comment: This missense variant replaces cysteine with arginine at codon 1147 of the PALB2 protein. Computational prediction suggests that this variant may not impact protein structure and function (internally defined REVEL score threshold <= 0.5, PMID: 27666373). To our knowledge, functional studies have not been reported for this variant. This variant has not been reported in individuals affected with PALB2-related disorders in the literature. This variant has not been identified in the general population by the Genome Aggregation Database (gnomAD). The available evidence is insufficient to determine the role of this variant in disease conclusively. Therefore, this variant is classified as a Variant of Uncertain Significance.

Ambry Genetics
Classification: Uncertain significance for Hereditary cancer-predisposing syndrome. Last evaluated: 2023-09-15. Review status: criteria provided, single submitter. Criteria: Ambry Variant Classification Scheme 2023. Collection method: clinical testing. Allele origin: germline.
Comment: The p.C1147R variant (also known as c.3439T>C), located in coding exon 13 of the PALB2 gene, results from a T to C substitution at nucleotide position 3439. The cysteine at codon 1147 is replaced by arginine, an amino acid with highly dissimilar properties. This amino acid position is highly conserved in available vertebrate species. In addition, the in silico prediction for this alteration is inconclusive. Since supporting evidence is limited at this time, the clinical significance of this alteration remains unclear.

NM_024675.4(PALB2):c.3439T>C (p.Cys1147Arg)

Gene: PALB2 (partner and localizer of BRCA2; minus strand). Cytogenetic location: 16p12.2.
Variant type: single nucleotide variant.
Coding change: c.3439T>C on transcript NM_024675.4 (MANE Select); coding-DNA position 3439, T replaced by C.
Protein change: p.Cys1147Arg; replaces cysteine 1147 with arginine.
Molecular consequence: missense variant.
Genome position (GRCh38, 1-based): chr16:23,603,581, A>G on the plus strand (T>C on the coding strand, the complement: PALB2 is on the minus strand). VCF-style: chr16-23603581-A-G. GRCh37 (hg19) VCF-style: chr16-23614902-A-G.
Other names: short protein forms C1147R.
Identifiers: ClinVar variation 484208 (VCV000484208.9), dbSNP rs1433737234, ClinGen allele CA395138146.
Genomic context (GRCh38, chr16:23,603,581, plus strand): 5'-TACCCGACCATTTCACAAAAGACCAATGTTGGTCAGAGACAGGTGGGAGGAGGGCAGTAC[A>G]CTGACCGAGAAGTAAGTCCCAAATGGCAATTGTTCCAGAAGTCAAGATTGCTGCTGCACA-3'
Protein context (NP_078951.2, residues 1137-1157): IAIWDLLLGQ[Cys1147Arg]TALLPPVSDQ